The following is an entry in ClinVar:

ClinVar aggregate classification (germline): Likely benign (1 of 4 stars; one submission).

Allele frequency attached by ClinVar (database versions not stated): ESP Exome Variant Server 0.00015; 1000 Genomes Project 0.00020; gnomAD 0.00025; ExAC 0.00029; 1000 Genomes Project 30x 0.00031; TOPMed 0.00032.
gnomAD v4.1: 360 of 1,613,824 alleles (0.022%); highest among the groups gnomAD compares: Middle Eastern, 0.05%; no homozygotes.

Submission:

CeGaT Center for Human Genetics Tuebingen
Classification: Likely benign. Last evaluated: 2023-02-01. Review status: criteria provided, single submitter. Criteria: CeGaT Center For Human Genetics Tuebingen Variant Classification Criteria Version 2. Collection method: clinical testing. Allele origin: germline. Affected: yes. Observed: 1 variant allele.
Comment: WDR7: BP4, BP7

NM_015285.3(WDR7):c.396C>T (p.His132=)

Gene: WDR7 (WD repeat domain 7; plus strand). Cytogenetic location: 18q21.31.
Variant type: single nucleotide variant.
Coding change: c.396C>T on transcript NM_015285.3 (MANE Select); coding-DNA position 396, C replaced by T.
Protein change: p.His132=; no amino-acid change (histidine 132 retained).
Molecular consequence: synonymous variant.
Genome position (GRCh38, 1-based): chr18:56,682,729, C>T. VCF-style: chr18-56682729-C-T. GRCh37 (hg19) VCF-style: chr18-54349960-C-T.
Other names: c.396C>T, p.His132= (NM_001382485.1, NM_001382487.1, NM_052834.3).
Identifiers: ClinVar variation 2648742 (VCV002648742.24), dbSNP rs140122275, ClinGen allele CA8971162.